The following is an entry in ClinVar:

NM_177965.4(CFAP418):c.155+7C>T

Genes: CFAP418 (cilia and flagella associated protein 418; minus strand), CFAP418-AS1 (CFAP418 antisense RNA 1; plus strand), LOC130000784 (ATAC-STARR-seq lymphoblastoid active region 27655; plus strand). Cytogenetic location: 8q22.1.
Variant type: single nucleotide variant.
Coding change: c.155+7C>T on transcript NM_177965.4 (MANE Select); 7 bases into the intron after coding-DNA position 155, C replaced by T.
Molecular consequence: intron variant.
Genome position (GRCh38, 1-based): chr8:95,269,028, G>A on the plus strand (C>T on the coding strand, the complement: CFAP418 is on the minus strand). VCF-style: chr8-95269028-G-A. GRCh37 (hg19) VCF-style: chr8-96281256-G-A.
Other names: c.155+7C>T (NM_001363260.1, NM_177965.3).
Identifiers: ClinVar variation 1119219 (VCV001119219.11), dbSNP rs1373792971, ClinGen allele CA583847335.

ClinVar aggregate classification (germline): Likely benign. Review status: criteria provided, multiple submitters, no conflicts (2 of 4 stars). 3 submissions from 3 submitters: Likely benign (2). 1 of the submissions does not count toward it. Last evaluated 2025-06-17.

Conditions:
CFAP418-related disorder. Also called: CFAP418-related condition.

Allele frequency attached by ClinVar (database versions not stated): gnomAD 0.00001; gnomAD exomes 0.00001 and 0.00002; TOPMed 0.00001.
gnomAD v4.1: 12 of 1,613,420 alleles (0.00074%); highest among the groups gnomAD compares: Non-Finnish European, 0.001%; no homozygotes.

Submissions (3):

Labcorp Genetics (formerly Invitae), Labcorp
Classification: Likely benign. Last evaluated: 2025-06-17. Review status: criteria provided, single submitter. Criteria: Invitae Variant Classification Sherloc (09022015). Collection method: clinical testing. Allele origin: germline.

Blueprint Genetics
Classification: Likely benign. Last evaluated: 2023-07-17. Review status: criteria provided, single submitter. Criteria: ACMG Guidelines, 2015. Collection method: clinical testing. Allele origin: germline.

PreventionGenetics, part of Exact Sciences
Classification: Uncertain significance for CFAP418-related condition. Last evaluated: 2024-05-12. Review status: no assertion criteria provided. Collection method: clinical testing. Allele origin: germline. Not counted in ClinVar's aggregate classification.
Comment: The CFAP418 c.155+7C>T variant is predicted to interfere with splicing. To our knowledge, this variant has not been reported in the literature. This variant is reported in 0.0027% of alleles in individuals of European (Non-Finnish) descent in gnomAD. At this time, the clinical significance of this variant is uncertain due to the absence of conclusive functional and genetic evidence.